The following is an entry in ClinVar:

NM_002905.5(RDH5):c.766A>T (p.Ile256Phe)

Genes: BLOC1S1-RDH5 (BLOC1S1-RDH5 readthrough; plus strand), CD63 (CD63 molecule; minus strand), RDH5 (retinol dehydrogenase 5; plus strand). Cytogenetic location: 12q13.2.
Variant type: single nucleotide variant.
Coding change: c.766A>T on transcript NM_002905.5 (MANE Select); coding-DNA position 766, A replaced by T.
Protein change: p.Ile256Phe; replaces isoleucine 256 with phenylalanine.
Molecular consequence: missense variant. On other transcripts: non-coding transcript variant (1), 3 prime UTR variant (2).
Genome position (GRCh38, 1-based): chr12:55,724,354, A>T. VCF-style: chr12-55724354-A-T. GRCh37 (hg19) VCF-style: chr12-56118138-A-T.
Other names: c.766A>T, p.Ile256Phe (NM_001199771.3); c.*710T>A (NM_001413284.1); c.*725T>A (NM_001413285.1); short protein forms I256F.
Identifiers: ClinVar variation 2127619 (VCV002127619.4), dbSNP rs1877094241, ClinGen allele CA385203101.

ClinVar aggregate classification (germline): Uncertain significance (1 of 4 stars; one submission).

Allele frequency attached by ClinVar (database versions not stated): gnomAD 0.00001.
gnomAD v4.1: 2 of 1,614,054 alleles (0.00012%); highest among the groups gnomAD compares: African/African-American, 0.0027%; no homozygotes.

Submission:

Labcorp Genetics (formerly Invitae), Labcorp
Classification: Uncertain significance. Last evaluated: 2022-04-18. Review status: criteria provided, single submitter. Criteria: Invitae Variant Classification Sherloc (09022015). Collection method: clinical testing. Allele origin: germline.
Comment: In summary, the available evidence is currently insufficient to determine the role of this variant in disease. Therefore, it has been classified as a Variant of Uncertain Significance. Algorithms developed to predict the effect of missense changes on protein structure and function are either unavailable or do not agree on the potential impact of this missense change (SIFT: "Deleterious"; PolyPhen-2: "Benign"; Align-GVGD: "Class C0"). This variant has not been reported in the literature in individuals affected with RDH5-related conditions. This variant is not present in population databases (gnomAD no frequency). This sequence change replaces isoleucine, which is neutral and non-polar, with phenylalanine, which is neutral and non-polar, at codon 256 of the RDH5 protein (p.Ile256Phe).